The following is an entry in ClinVar:

ClinVar aggregate classification (germline): Uncertain significance (1 of 4 stars; one submission).

Conditions:
Inborn genetic diseases. Identifiers: MedGen C0950123, MeSH D030342.

gnomAD v4.1: 1 of 1,613,796 alleles (0.000062%); highest among the groups gnomAD compares: Non-Finnish European, 0.000085%; no homozygotes.

Submission:

Ambry Genetics
Classification: Uncertain significance for Inborn genetic diseases. Last evaluated: 2024-11-21. Review status: criteria provided, single submitter. Criteria: Ambry Variant Classification Scheme 2023. Collection method: clinical testing. Allele origin: germline.
Comment: The p.S944P variant (also known as c.2830T>C), located in coding exon 12 of the BMPR2 gene, results from a T to C substitution at nucleotide position 2830. The serine at codon 944 is replaced by proline, an amino acid with similar properties. This amino acid position is conserved. In addition, this alteration is predicted to be deleterious by in silico analysis. Based on the available evidence, the clinical significance of this variant remains unclear.

NM_001204.7(BMPR2):c.2830T>C (p.Ser944Pro)

Gene: BMPR2 (bone morphogenetic protein receptor type 2; plus strand). Cytogenetic location: 2q33.2.
Variant type: single nucleotide variant.
Coding change: c.2830T>C on transcript NM_001204.7 (MANE Select); coding-DNA position 2830, T replaced by C.
Protein change: p.Ser944Pro; replaces serine 944 with proline.
Molecular consequence: missense variant.
Genome position (GRCh38, 1-based): chr2:202,556,495, T>C. VCF-style: chr2-202556495-T-C. GRCh37 (hg19) VCF-style: chr2-203421218-T-C.
Other names: short protein forms S944P.
Identifiers: ClinVar variation 3481283 (VCV003481283.1).